The following is an entry in ClinVar:

ClinVar aggregate classification (germline): Conflicting classifications of pathogenicity. Review status: criteria provided, conflicting classifications (1 of 4 stars). 2 submissions from 2 submitters: Uncertain significance (1); Likely benign (1). Last evaluated 2025-03-11.

Conditions:
PLEC-related disorder. Also called: PLEC-related condition; PLEC-related disorders.

Allele frequency attached by ClinVar (database versions not stated): gnomAD exomes 0.00006 and 0.00032; ExAC 0.00035; gnomAD 0.00004; ESP Exome Variant Server 0.00008; TOPMed 0.00021.
gnomAD v4.1: 95 of 1,610,922 alleles (0.0059%); highest among the groups gnomAD compares: Admixed American, 0.16%; no homozygotes.

Submissions (2):

PreventionGenetics, part of Exact Sciences
Classification: Likely benign for PLEC-related condition. Last evaluated: 2025-03-11. Review status: criteria provided, single submitter. Criteria: ACMG Guidelines, 2015. Collection method: clinical testing. Allele origin: germline.
Comment: This variant is classified as likely benign based on ACMG/AMP sequence variant interpretation guidelines (Richards et al. 2015 PMID: 25741868, with internal and published modifications).

Athena Diagnostics
Classification: Uncertain significance. Last evaluated: 2017-03-14. Review status: criteria provided, single submitter. Criteria: Athena Diagnostics Criteria. Collection method: clinical testing. Allele origin: germline.

NM_201378.4(PLEC):c.71-5086G>A

Gene: PLEC (plectin; minus strand). Cytogenetic location: 8q24.3.
Variant type: single nucleotide variant.
Coding change: c.71-5086G>A on transcript NM_201378.4 (MANE Plus Clinical); 5086 bases into the intron before coding-DNA position 71, G replaced by A.
Molecular consequence: intron variant. On other transcripts: splice donor variant (1).
Genome position (GRCh38, 1-based): chr8:143,943,778, C>T on the plus strand (G>A on the coding strand, the complement: PLEC is on the minus strand). VCF-style: chr8-143943778-C-T. GRCh37 (hg19) VCF-style: chr8-145017946-C-T.
Other names: c.194-5086G>A (NM_001410941.1, NM_000445.5); c.47-5086G>A (NM_201379.3); c.524-5086G>A (NM_201380.4); c.16+870G>A (NM_201381.3); c.112+1G>A (NM_201382.4).
Identifiers: ClinVar variation 448047 (VCV000448047.5), dbSNP rs372851346, ClinGen allele CA4928784.
Genomic context (GRCh38, chr8:143,943,778, plus strand): 5'-CGGGAGGCAGGCGGCCCCTCTGCCCCGCCTCGAGTCCCTGGCAGCCACCAGCGGGGCTTA[C>T]CTTGCTCGTCCTGCGCCCACCGACGTCCCCTGCGCCAGTGCCACACAGCGGCCAGGGTGA-3'